The following is an entry in ClinVar:

ClinVar aggregate classification (germline): Likely benign. Review status: criteria provided, multiple submitters, no conflicts (2 of 4 stars). 3 submissions from 3 submitters: Likely benign (3). Last evaluated 2025-11-25.

Allele frequency attached by ClinVar (database versions not stated): TOPMed 0.00001.
gnomAD v4.1: 8 of 1,613,746 alleles (0.0005%); highest among the groups gnomAD compares: South Asian, 0.0011%; no homozygotes.

Submissions (3):

Labcorp Genetics (formerly Invitae), Labcorp
Classification: Likely benign. Last evaluated: 2025-11-25. Review status: criteria provided, single submitter. Criteria: Invitae Variant Classification Sherloc (09022015). Collection method: clinical testing. Allele origin: germline.

Blueprint Genetics
Classification: Likely benign. Last evaluated: 2024-11-22. Review status: criteria provided, single submitter. Criteria: ACMG Guidelines, 2015. Collection method: clinical testing. Allele origin: germline.

CeGaT Center for Human Genetics Tuebingen
Classification: Likely benign. Last evaluated: 2022-03-01. Review status: criteria provided, single submitter. Criteria: CeGaT Center For Human Genetics Tuebingen Variant Classification Criteria Version 2. Collection method: clinical testing. Allele origin: germline. Affected: yes. Observed: 1 variant allele.
Comment: NBAS: BP4, BP7

NM_015909.4(NBAS):c.5043C>T (p.Ser1681=)

Gene: NBAS (NBAS subunit of NRZ tethering complex; minus strand). Cytogenetic location: 2p24.3.
Variant type: single nucleotide variant.
Coding change: c.5043C>T on transcript NM_015909.4 (MANE Select); coding-DNA position 5043, C replaced by T.
Protein change: p.Ser1681=; no amino-acid change (serine 1681 retained).
Molecular consequence: synonymous variant. On other transcripts: non-coding transcript variant (1).
Genome position (GRCh38, 1-based): chr2:15,287,168, G>A on the plus strand (C>T on the coding strand, the complement: NBAS is on the minus strand). VCF-style: chr2-15287168-G-A. GRCh37 (hg19) VCF-style: chr2-15427292-G-A.
Identifiers: ClinVar variation 1610553 (VCV001610553.33), dbSNP rs775578103, ClinGen allele CA1535407.